The following is an entry in ClinVar:

ClinVar aggregate classification (germline): Conflicting classifications of pathogenicity. Review status: criteria provided, conflicting classifications (1 of 4 stars). 7 submissions from 3 submitters: Uncertain significance (1); Benign (6). Last evaluated 2021-07-01.

Conditions:
Diabetes mellitus, permanent neonatal 3. Also called: ABCC8-Related Permanent Neonatal Diabetes Mellitus. Identifiers: MedGen C5394303, MONDO:0030088, OMIM 618857.
Transitory neonatal diabetes mellitus. Also called: Transient neonatal diabetes mellitus. Identifiers: MedGen C0342273, MONDO:0020525, HP:0008255.
Maturity-onset diabetes of the young (MODY). Also called: Maturity onset diabetes mellitus in young. Identifiers: Orphanet 552, MedGen C0342276, MONDO:0018911, HP:0004904.
Diabetes mellitus, transient neonatal, 2 (TNDM2). Identifiers: Orphanet 99886, MedGen C1835887, MONDO:0012480, OMIM 610374. Disease mechanism: loss of function.
Hyperinsulinemic hypoglycemia, familial, 1 (HHF1). Also called: Persistent hyperinsulinemic hypoglycemia of infancy; HYPERINSULINISM, FAMILIAL, WITH PANCREATIC NESIDIOBLASTOSIS; HYPOGLYCEMIA, HYPERINSULINEMIC, OF INFANCY; NESIDIOBLASTOSIS OF PANCREAS; Persistent Hyperinsulinemia Hypoglycemia of Infancy. Identifiers: Orphanet 276575, Orphanet 276598, MedGen C2931832, MONDO:0009734, OMIM 256450.
Leucine-induced hypoglycemia (LIH). Also called: LEUCINE-SENSITIVE HYPOGLYCEMIA OF INFANCY. Identifiers: MedGen C0271714, MONDO:0009415, OMIM 240800.

Allele frequency attached by ClinVar (database versions not stated): gnomAD 0.89203 and 0.89524; TOPMed 0.89927; 1000 Genomes Project 0.90415; 1000 Genomes Project 30x 0.90693.
gnomAD v4.1: 135,818 of 152,234 alleles (89%); highest among the groups gnomAD compares: African/African-American, 97%; 60,851 homozygotes.

Submissions (7):

Pars Genome Lab
Classification: Benign for Hyperinsulinemic hypoglycemia, familial, 1. Last evaluated: 2021-07-01. Review status: criteria provided, single submitter. Criteria: ACMG Guidelines, 2015. Collection method: clinical testing. Allele origin: germline. Affected: no.

Pars Genome Lab
Classification: Benign for Diabetes mellitus, transient neonatal, 2. Last evaluated: 2021-07-01. Review status: criteria provided, single submitter. Criteria: ACMG Guidelines, 2015. Collection method: clinical testing. Allele origin: germline. Affected: no.

Pars Genome Lab
Classification: Benign for Diabetes mellitus, permanent neonatal 3. Last evaluated: 2021-07-01. Review status: criteria provided, single submitter. Criteria: ACMG Guidelines, 2015. Collection method: clinical testing. Allele origin: germline. Affected: no.

Pars Genome Lab
Classification: Benign for Leucine-induced hypoglycemia. Last evaluated: 2021-07-01. Review status: criteria provided, single submitter. Criteria: ACMG Guidelines, 2015. Collection method: clinical testing. Allele origin: germline. Affected: no.

GeneDx
Classification: Benign. Last evaluated: 2018-08-09. Review status: criteria provided, single submitter. Criteria: GeneDx Variant Classification Process June 2021. Collection method: clinical testing. Allele origin: germline. Affected: yes.

Clinical Genomics, Uppaluri K&H Personalized Medicine Clinic
Classification: Benign for Maturity-onset diabetes of the young. Review status: criteria provided, single submitter. Criteria: K & H Uppaluri Personalized Medicine Clinic Variant Classification & Assertion Criteria_Updated V.1. Collection method: research. Allele origin: unknown. Inheritance: Autosomal dominant inheritance.
Comment: Mutations in ABCC8 gene are associated with both neonatal diabetes mellitus as well as MODY. Patients with this mutation may have a better response to sulfonylureas. However, no sufficient evidence is found to ascertain the role of this particular variant ( rs4148632) in MODY yet.

Clinical Genomics, Uppaluri K&H Personalized Medicine Clinic
Classification: Uncertain significance for Transitory neonatal diabetes mellitus. Review status: criteria provided, single submitter. Criteria: K & H Uppaluri Personalized Medicine Clinic Variant Classification & Assertion Criteria_Updated V.1. Collection method: research. Allele origin: unknown.
Comment: Mutations in ABCC8 gene are associated with both neonatal diabetes mellitus as well as MODY. Patients with this mutation may have a better response to sulfonylureas. However, no sufficient evidence is found to ascertain the role of this particular variant (rs4148632) in neonatal diabetes yet.

Literature cited by the submitters: PubMed 16885549 (cited by Clinical Genomics, Uppaluri K&H Personalized Medicine Clinic); PubMed 21989597 (cited by Clinical Genomics, Uppaluri K&H Personalized Medicine Clinic); PubMed 27538677 (cited by Clinical Genomics, Uppaluri K&H Personalized Medicine Clinic); PubMed 18981553 (cited by Clinical Genomics, Uppaluri K&H Personalized Medicine Clinic); PubMed 32027066 (cited by Clinical Genomics, Uppaluri K&H Personalized Medicine Clinic); PubMed 18025408 (cited by Clinical Genomics, Uppaluri K&H Personalized Medicine Clinic); PubMed 32792356 (cited by Clinical Genomics, Uppaluri K&H Personalized Medicine Clinic).

NM_000352.6(ABCC8):c.2390+219T>C

Genes: ABCC8 (ATP binding cassette subfamily C member 8; minus strand), LOC110121471 (VISTA enhancer hs1977; plus strand). Cytogenetic location: 11p15.1.
Variant type: single nucleotide variant.
Coding change: c.2390+219T>C on transcript NM_000352.6 (MANE Select); 219 bases into the intron after coding-DNA position 2390, T replaced by C.
Molecular consequence: intron variant.
Genome position (GRCh38, 1-based): chr11:17,414,293, A>G on the plus strand (T>C on the coding strand, the complement: ABCC8 is on the minus strand). VCF-style: chr11-17414293-A-G. GRCh37 (hg19) VCF-style: chr11-17435840-A-G.
Other names: c.2387+219T>C (NM_001351297.2); c.2390+219T>C (NM_001351296.2); c.2456+219T>C (NM_001351295.2); c.2393+219T>C (NM_001287174.3).
Identifiers: ClinVar variation 1177448 (VCV001177448.6), dbSNP rs4148632, ClinGen allele CA218429229.